The following is an entry in ClinVar:

ClinVar aggregate classification (germline): Uncertain significance (1 of 4 stars; one submission).

Conditions:
Immunodeficiency 39 (IMD39). Identifiers: Orphanet 574918, MedGen C4225358, MONDO:0014597, OMIM 616345.

Allele frequency attached by ClinVar (database versions not stated): gnomAD exomes below 0.00001 and 0.00002; TOPMed below 0.00001; ExAC 0.00001; gnomAD 0.00001.
gnomAD v4.1: 27 of 1,612,996 alleles (0.0017%); highest among the groups gnomAD compares: Non-Finnish European, 0.002%; no homozygotes.

Submission:

Labcorp Genetics (formerly Invitae), Labcorp
Classification: Uncertain significance for Immunodeficiency 39. Last evaluated: 2026-01-11. Review status: criteria provided, single submitter. Criteria: Invitae Variant Classification Sherloc (09022015). Collection method: clinical testing. Allele origin: germline.
Comment: This sequence change replaces leucine, which is neutral and non-polar, with proline, which is neutral and non-polar, at codon 451 of the IRF7 protein (p.Leu451Pro). This variant is present in population databases (rs773112663, gnomAD 0.0009%). This variant has not been reported in the literature in individuals affected with IRF7-related conditions. ClinVar contains an entry for this variant (Variation ID: 851530). Invitae Evidence Modeling of protein sequence and biophysical properties (such as structural, functional, and spatial information, amino acid conservation, physicochemical variation, residue mobility, and thermodynamic stability) has been performed for this missense variant. However, the output from this modeling did not meet the statistical confidence thresholds required to predict the impact of this variant on IRF7 protein function. In summary, the available evidence is currently insufficient to determine the role of this variant in disease. Therefore, it has been classified as a Variant of Uncertain Significance.

NM_001572.5(IRF7):c.1313T>C (p.Leu438Pro)

Gene: IRF7 (interferon regulatory factor 7; minus strand). Cytogenetic location: 11p15.5.
Variant type: single nucleotide variant.
Coding change: c.1313T>C on transcript NM_001572.5 (MANE Select); coding-DNA position 1313, T replaced by C.
Protein change: p.Leu438Pro; replaces leucine 438 with proline.
Molecular consequence: missense variant.
Genome position (GRCh38, 1-based): chr11:613,042, A>G on the plus strand (T>C on the coding strand, the complement: IRF7 is on the minus strand). VCF-style: chr11-613042-A-G. GRCh37 (hg19) VCF-style: chr11-613042-A-G.
Other names: c.1226T>C, p.Leu409Pro (NM_004029.4); c.1352T>C, p.Leu451Pro (NM_004031.4); short protein forms L409P, L451P, L438P.
Identifiers: ClinVar variation 851530 (VCV000851530.7), dbSNP rs773112663, ClinGen allele CA5783502.
Genomic context (GRCh38, chr11:613,042, plus strand): 5'-TGAGGCTCTGGTCTCACCTTCACCAGGACCAGGCTCTTCTCCTTGGGCCTCCCAGCTGAC[A>G]GGTCCTGCCCGAAGCCCAGGTAGATGGTATAGCGTGGGGAGCCACGGCGCTGCCGTGCCC-3'
Protein context (NP_001563.2, residues 428-448): YTIYLGFGQD[Leu438Pro]SAGRPKEKSL